The following is an entry in ClinVar:

NM_000257.4(MYH7):c.5169C>G (p.Leu1723=)

Genes: MHRT (myosin heavy chain associated RNA transcript; plus strand), MYH7 (myosin heavy chain 7; minus strand), LOC126861897 (BRD4-independent group 4 enhancer GRCh37_chr14:23884455-23885654; plus strand). Cytogenetic location: 14q11.2.
Variant type: single nucleotide variant.
Coding change: c.5169C>G on transcript NM_000257.4 (MANE Select); coding-DNA position 5169, C replaced by G.
Protein change: p.Leu1723=; no amino-acid change (leucine 1723 retained).
Molecular consequence: synonymous variant. On other transcripts: non-coding transcript variant (1).
Genome position (GRCh38, 1-based): chr14:23,415,495, G>C on the plus strand (C>G on the coding strand, the complement: MYH7 is on the minus strand). VCF-style: chr14-23415495-G-C. GRCh37 (hg19) VCF-style: chr14-23884704-G-C.
Identifiers: ClinVar variation 927778 (VCV000927778.44), dbSNP rs1286161095, ClinGen allele CA485765947.

ClinVar aggregate classification (germline): Likely benign. Review status: criteria provided, multiple submitters, no conflicts (2 of 4 stars). 5 submissions from 5 submitters: Likely benign (5). Last evaluated 2025-11-03.

Conditions:
Hypertrophic cardiomyopathy. Also called: HYPERTROPHIC MYOCARDIOPATHY. Identifiers: Orphanet 217569, MedGen C0007194, MeSH D002312, MONDO:0005045, HP:0001639.
Cardiomyopathy (CMYO). Also called: Cardiomyopathies. Identifiers: Orphanet 167848, MedGen C0878544, MONDO:0004994, HP:0001638. Inheritance: Various modes of inheritance.
Cardiovascular phenotype. Identifiers: MedGen CN230736.

gnomAD v4.1: 3 of 1,614,232 alleles (0.00019%); highest among the groups gnomAD compares: South Asian, 0.0011%; no homozygotes.

Submissions (5):

Labcorp Genetics (formerly Invitae), Labcorp
Classification: Likely benign for Hypertrophic cardiomyopathy. Last evaluated: 2025-11-03. Review status: criteria provided, single submitter. Criteria: Invitae Variant Classification Sherloc (09022015). Collection method: clinical testing. Allele origin: germline.

Ambry Genetics
Classification: Likely benign for Cardiovascular phenotype. Last evaluated: 2024-10-07. Review status: criteria provided, single submitter. Criteria: Ambry Variant Classification Scheme 2023. Collection method: clinical testing. Allele origin: germline.

All of Us Research Program, National Institutes of Health
Classification: Likely benign for Cardiomyopathy. Last evaluated: 2023-09-17. Review status: criteria provided, single submitter. Criteria: ACMG Guidelines, 2015. Collection method: clinical testing. Allele origin: germline. Inheritance: Autosomal dominant inheritance. Observed: 2 variant alleles, 2 heterozygotes.
Comment: This study involves interpretation of variants in research participants for the purpose of population health screening. Participant phenotype was not available at the time of variant classification. Additional details can be found in publication PMID: 35346344, PMCID: PMC8962531

CeGaT Center for Human Genetics Tuebingen
Classification: Likely benign. Last evaluated: 2021-04-01. Review status: criteria provided, single submitter. Criteria: CeGaT Center For Human Genetics Tuebingen Variant Classification Criteria Version 2. Collection method: clinical testing. Allele origin: germline. Affected: yes. Observed: 1 variant allele.

Color Diagnostics, LLC DBA Color Health
Classification: Likely benign for Cardiomyopathy. Last evaluated: 2019-08-26. Review status: criteria provided, single submitter. Criteria: ACMG Guidelines, 2015. Collection method: clinical testing. Allele origin: germline.